The following is an entry in ClinVar:

NM_001308093.3(GATA4):c.1001-26G>A

Gene: GATA4 (GATA binding protein 4). Cytogenetic location: 8p23.1.
Variant type: single nucleotide variant.
Coding change: c.1001-26G>A on transcript NM_001308093.3 (MANE Select); 26 bases into the intron before coding-DNA position 1001, G replaced by A.
Molecular consequence: intron variant.
Genome position (GRCh38, 1-based): chr8:11,756,909, G>A. VCF-style: chr8-11756909-G-A. GRCh37 (hg19) VCF-style: chr8-11614418-G-A.
Other names: c.380-26G>A (NM_001308094.2, NM_001374273.1); c.998-26G>A (NM_002052.5); c.254-26G>A (NM_001374274.1).
Identifiers: ClinVar variation 433021 (VCV000433021.5), dbSNP rs1554498708, ClinGen allele CA645372457.

ClinVar aggregate classification (germline): Uncertain significance. Review status: criteria provided, single submitter (1 of 4 stars). 2 submissions from 2 submitters: Uncertain significance (1). 1 of the submissions does not count toward it. Last evaluated 2025-04-21.

Conditions:
Congenital heart disease (CHD). Identifiers: MedGen C0152021, MONDO:0005453. Disease mechanism: unknown.

gnomAD v4.1: 1 of 1,614,174 alleles (0.000062%); no homozygotes.

Submissions (2):

Revvity Omics, Revvity
Classification: Uncertain significance. Last evaluated: 2025-04-21. Review status: criteria provided, single submitter. Criteria: ACMG Guidelines, 2015. Collection method: clinical testing. Allele origin: germline.

Central Research Laboratory, Sri Devaraj Urs Academy of Higher Education and Research
Classification: Pathogenic for Congenital heart disease. Last evaluated: 2017-01-07. Review status: no assertion criteria provided. Collection method: clinical testing. Allele origin: unknown. Affected: yes. Observed: 2 variant alleles. Not counted in ClinVar's aggregate classification.
Comment: This variant, NG_008177.2:g.84991G>A, leads to the disruption of ISS motif 1 and formation of ISS motif 2.

Literature cited by the submitters: PubMed 27426723 (cited by Central Research Laboratory, Sri Devaraj Urs Academy of Higher Education and Research).